The following is an entry in ClinVar:

NM_032380.5(GFM2):c.850-18T>A

Gene: GFM2 (GTP dependent ribosome recycling factor mitochondrial 2; minus strand). Cytogenetic location: 5q13.3.
Variant type: single nucleotide variant.
Coding change: c.850-18T>A on transcript NM_032380.5 (MANE Select); 18 bases into the intron before coding-DNA position 850, T replaced by A.
Molecular consequence: intron variant.
Genome position (GRCh38, 1-based): chr5:74,741,627, A>T on the plus strand (T>A on the coding strand, the complement: GFM2 is on the minus strand). VCF-style: chr5-74741627-A-T. GRCh37 (hg19) VCF-style: chr5-74037452-A-T.
Other names: c.850-18T>A (NM_170691.3, NM_170681.3); c.946-18T>A (NM_001281302.2).
Identifiers: ClinVar variation 388750 (VCV000388750.1), dbSNP rs545845572, ClinGen allele CA3306672.

ClinVar aggregate classification (germline): Likely benign (1 of 4 stars; one submission).

Allele frequency attached by ClinVar (database versions not stated): gnomAD 0.00001; TOPMed 0.00001; gnomAD exomes 0.00003; ExAC 0.00006; 1000 Genomes Project 30x 0.00016; 1000 Genomes Project 0.00020.

Submission:

GeneDx
Classification: Likely benign. Last evaluated: 2016-10-20. Review status: criteria provided, single submitter. Criteria: GeneDx Variant Classification (06012015). Collection method: clinical testing. Allele origin: germline. Affected: yes.
Comment: This variant is considered likely benign or benign based on one or more of the following criteria: it is a conservative change, it occurs at a poorly conserved position in the protein, it is predicted to be benign by multiple in silico algorithms, and/or has population frequency not consistent with disease.